The following is an entry in ClinVar:

ClinVar aggregate classification (germline): Uncertain significance (1 of 4 stars; one submission).

Conditions:
Deficiency of adenosine deaminase 2. Also called: Polyarteritis nodosa, childhoood-onset; Adenosine Deaminase 2 Deficiency; VASCULITIS, AUTOINFLAMMATION, IMMUNODEFICIENCY, AND HEMATOLOGIC DEFECTS SYNDROME. Identifiers: Orphanet 404553, MedGen C3887654, MONDO:0014306, OMIM 615688, MONDO:0100317.

Submission:

Labcorp Genetics (formerly Invitae), Labcorp
Classification: Uncertain significance for Deficiency of adenosine deaminase 2. Last evaluated: 2024-09-02. Review status: criteria provided, single submitter. Criteria: Invitae Variant Classification Sherloc (09022015). Collection method: clinical testing. Allele origin: germline.
Comment: This sequence change replaces leucine, which is neutral and non-polar, with valine, which is neutral and non-polar, at codon 124 of the ADA2 protein (p.Leu124Val). This variant is not present in population databases (gnomAD no frequency). This variant has not been reported in the literature in individuals affected with ADA2-related conditions. Invitae Evidence Modeling of protein sequence and biophysical properties (such as structural, functional, and spatial information, amino acid conservation, physicochemical variation, residue mobility, and thermodynamic stability) indicates that this missense variant is not expected to disrupt ADA2 protein function with a negative predictive value of 80%. In summary, the available evidence is currently insufficient to determine the role of this variant in disease. Therefore, it has been classified as a Variant of Uncertain Significance.

NM_001282225.2(ADA2):c.370C>G (p.Leu124Val)

Gene: ADA2 (adenosine deaminase 2; minus strand). Cytogenetic location: 22q11.1.
Variant type: single nucleotide variant.
Coding change: c.370C>G on transcript NM_001282225.2 (MANE Select); coding-DNA position 370, C replaced by G.
Protein change: p.Leu124Val; replaces leucine 124 with valine.
Molecular consequence: missense variant.
Genome position (GRCh38, 1-based): chr22:17,207,243, G>C on the plus strand (C>G on the coding strand, the complement: ADA2 is on the minus strand). VCF-style: chr22-17207243-G-C. GRCh37 (hg19) VCF-style: chr22-17688133-G-C.
Other names: c.370C>G, p.Leu124Val (NM_001282226.2); c.244C>G, p.Leu82Val (NM_001282227.2, NM_001282228.2); c.10C>G, p.Leu4Val (NM_001282229.2); short protein forms L82V, L124V, L4V.
Identifiers: ClinVar variation 3664173 (VCV003664173.2).